The following is an entry in ClinVar:

ClinVar aggregate classification (germline): Uncertain significance (1 of 4 stars; one submission).

Conditions:
NALCN-related disorder. Also called: NALCN-related condition; NALCN-related disorders.

Submission:

PreventionGenetics, part of Exact Sciences
Classification: Uncertain significance for NALCN-related condition. Last evaluated: 2026-01-08. Review status: criteria provided, single submitter. Criteria: ACMG Guidelines, 2015. Collection method: clinical testing. Allele origin: germline.
Comment: The NALCN c.515+3G>T variant is predicted to interfere with splicing. To our knowledge, this variant has not been reported in the literature or in a large population database (gnomAD), indicating this variant is rare. At this time, the clinical significance of this variant is uncertain due to the absence of conclusive functional and genetic evidence.

NM_052867.4(NALCN):c.515+3G>T

Gene: NALCN (sodium leak channel, non-selective; minus strand). Cytogenetic location: 13q33.1.
Variant type: single nucleotide variant.
Coding change: c.515+3G>T on transcript NM_052867.4 (MANE Select); 3 bases into the intron after coding-DNA position 515, G replaced by T.
Molecular consequence: intron variant.
Genome position (GRCh38, 1-based): chr13:101,376,914, C>A on the plus strand (G>T on the coding strand, the complement: NALCN is on the minus strand). VCF-style: chr13-101376914-C-A. GRCh37 (hg19) VCF-style: chr13-102029265-C-A.
Other names: c.515+3G>T (NM_001350751.2, NM_001350749.2, NM_001350750.2 and 1 more transcripts).
Identifiers: ClinVar variation 4986900 (VCV004986900.1).